The following is an entry in ClinVar:

ClinVar aggregate classification (germline): Likely pathogenic (1 of 4 stars; one submission).

Conditions:
Saldino-Mainzer syndrome (SRTD9). Also called: Renal dysplasia, retinal pigmentary dystrophy, cerebellar ataxia and skeletal dysplasia; CONORENAL SYNDROME; SHORT-RIB THORACIC DYSPLASIA 9 WITHOUT POLYDACTYLY; short-rib thoracic dysplasia 9 with or without polydactyly. Identifiers: Orphanet 140969, MedGen C1849437, MONDO:0009964, OMIM 266920.

Submission:

Labcorp Genetics (formerly Invitae), Labcorp
Classification: Likely pathogenic for Saldino-Mainzer syndrome. Last evaluated: 2022-02-03. Review status: criteria provided, single submitter. Criteria: Invitae Variant Classification Sherloc (09022015). Collection method: clinical testing. Allele origin: germline.
Comment: In summary, the currently available evidence indicates that the variant is pathogenic, but additional data are needed to prove that conclusively. Therefore, this variant has been classified as Likely Pathogenic. This variant has not been reported in the literature in individuals affected with IFT140-related conditions. This variant results in a copy number gain of the genomic region encompassing exon(s) 20-26 of the IFT140 gene. While the exact position of this variant cannot be determined from the data, sub-genic copy number gains are generally in tandem (PMID: 25640679). This variant is predicted to be out-of-frame, and may result in an absent or disrupted protein product. Loss-of-function variants in IFT140 are known to be pathogenic (PMID: 22503633, 23418020, 24009529, 26216056).

Literature cited by the submitters: PubMed 25640679; PubMed 22503633; PubMed 23418020; PubMed 24009529; PubMed 26216056.

NC_000016.9:g.(?_1573499)_(1576817_?)dup

Gene: IFT140 (intraflagellar transport 140; minus strand). Cytogenetic location: 16p13.3.
Variant type: Duplication.
Identifiers: ClinVar variation 1519366 (VCV001519366.5).